The following is an entry in ClinVar:

NM_005751.5(AKAP9):c.6673G>A (p.Glu2225Lys)

Gene: AKAP9 (A-kinase anchoring protein 9; plus strand). Cytogenetic location: 7q21.2.
Variant type: single nucleotide variant.
Coding change: c.6673G>A on transcript NM_005751.5 (MANE Select); coding-DNA position 6673, G replaced by A.
Protein change: p.Glu2225Lys; replaces glutamic acid 2225 with lysine.
Molecular consequence: missense variant.
Genome position (GRCh38, 1-based): chr7:92,076,915, G>A. VCF-style: chr7-92076915-G-A. GRCh37 (hg19) VCF-style: chr7-91706229-G-A.
Other names: c.1318G>A, p.Glu440Lys (NM_001379277.1); c.6649G>A, p.Glu2217Lys (NM_147185.3); short protein forms E440K, E2217K, E2225K.
Identifiers: ClinVar variation 4265255 (VCV004265255.1).
Genomic context (GRCh38, chr7:92,076,915, plus strand): 5'-ATTACAAACTTAGAAGAGCAATTAGAACAGTTTAGAGAAGAACTGGAAAATAAGAATGAA[G>A]AAGTTCAACAATTACATATGCAATTAGAAATACAGAAAAAGGAATCTACTACCCGCCTAC-3'
Protein context (NP_005742.4, residues 2215-2235): FREELENKNE[Glu2225Lys]VQQLHMQLEI

ClinVar aggregate classification (germline): Uncertain significance (1 of 4 stars; one submission).

Conditions:
Cardiovascular phenotype. Identifiers: MedGen CN230736.

Submission:

Ambry Genetics
Classification: Uncertain significance for Cardiovascular phenotype. Last evaluated: 2025-08-09. Review status: criteria provided, single submitter. Criteria: Ambry Variant Classification Scheme 2023. Collection method: clinical testing. Allele origin: germline.
Comment: The p.E2225K variant (also known as c.6673G>A), located in coding exon 29 of the AKAP9 gene, results from a G to A substitution at nucleotide position 6673. The glutamic acid at codon 2225 is replaced by lysine, an amino acid with similar properties. This amino acid position is conserved. In addition, this alteration is predicted to be tolerated by in silico analysis. Based on the available evidence, the clinical significance of this variant remains unclear.